The following is an entry in ClinVar:

ClinVar aggregate classification (germline): Uncertain significance. Review status: criteria provided, multiple submitters, no conflicts (2 of 4 stars). 2 submissions from 2 submitters: Uncertain significance (2). Last evaluated 2025-05-21.

gnomAD v4.1: 1 of 1,614,186 alleles (0.000062%); highest among the groups gnomAD compares: African/African-American, 0.0013%; no homozygotes.

Submissions (2):

Labcorp Genetics (formerly Invitae), Labcorp
Classification: Uncertain significance. Last evaluated: 2025-05-21. Review status: criteria provided, single submitter. Criteria: Invitae Variant Classification Sherloc (09022015). Collection method: clinical testing. Allele origin: germline.
Comment: This sequence change replaces leucine, which is neutral and non-polar, with methionine, which is neutral and non-polar, at codon 30 of the ADIPOR1 protein (p.Leu30Met). This variant is not present in population databases (gnomAD no frequency). This variant has not been reported in the literature in individuals affected with ADIPOR1-related conditions. ClinVar contains an entry for this variant (Variation ID: 1908383). An algorithm developed to predict the effect of missense changes on protein structure and function (PolyPhen-2) suggests that this variant is likely to be tolerated. In summary, the available evidence is currently insufficient to determine the role of this variant in disease. Therefore, it has been classified as a Variant of Uncertain Significance.

Blueprint Genetics
Classification: Uncertain significance. Last evaluated: 2021-01-21. Review status: criteria provided, single submitter. Criteria: ACMG Guidelines, 2015. Collection method: clinical testing. Allele origin: germline.

NM_015999.6(ADIPOR1):c.88C>A (p.Leu30Met)

Gene: ADIPOR1 (adiponectin receptor 1; minus strand). Cytogenetic location: 1q32.1.
Variant type: single nucleotide variant.
Coding change: c.88C>A on transcript NM_015999.6 (MANE Select); coding-DNA position 88, C replaced by A.
Protein change: p.Leu30Met; replaces leucine 30 with methionine.
Molecular consequence: missense variant.
Genome position (GRCh38, 1-based): chr1:202,950,983, G>T on the plus strand (C>A on the coding strand, the complement: ADIPOR1 is on the minus strand). VCF-style: chr1-202950983-G-T. GRCh37 (hg19) VCF-style: chr1-202920111-G-T.
Other names: c.88C>A, p.Leu30Met (NM_001127687.1, NM_001290553.2, NM_001290557.1 and 1 more transcripts); short protein forms L30M.
Identifiers: ClinVar variation 1908383 (VCV001908383.6), dbSNP rs2527486925, ClinGen allele CA344284702.